The following is an entry in ClinVar:

ClinVar aggregate classification (germline): Uncertain significance (1 of 4 stars; one submission).

Conditions:
Lipodystrophy, partial, acquired, susceptibility to (APLD). Also called: APLD, SUSCEPTIBILITY TO. Identifiers: MedGen C3887501, MONDO:0100476, OMIM 608709.
Progressive myoclonic epilepsy type 9. Identifiers: Orphanet 457265, MedGen C4225289, MONDO:0014685, OMIM 616540.

Allele frequency attached by ClinVar (database versions not stated): gnomAD 0.00001; gnomAD exomes 0.00001; TOPMed 0.00001; ExAC 0.00002; ESP Exome Variant Server 0.00008.
gnomAD v4.1: 22 of 1,613,598 alleles (0.0014%); highest among the groups gnomAD compares: East Asian, 0.0022%; no homozygotes.

Submission:

Labcorp Genetics (formerly Invitae), Labcorp
Classification: Uncertain significance for Progressive myoclonic epilepsy type 9; Lipodystrophy, partial, acquired, susceptibility to. Last evaluated: 2024-05-15. Review status: criteria provided, single submitter. Criteria: Invitae Variant Classification Sherloc (09022015). Collection method: clinical testing. Allele origin: germline.
Comment: This sequence change replaces arginine, which is basic and polar, with glutamine, which is neutral and polar, at codon 116 of the LMNB2 protein (p.Arg116Gln). This variant is present in population databases (rs370820384, gnomAD 0.005%). This variant has not been reported in the literature in individuals affected with LMNB2-related conditions. ClinVar contains an entry for this variant (Variation ID: 475781). Algorithms developed to predict the effect of missense changes on protein structure and function output the following: SIFT: "Not Available"; PolyPhen-2: "Benign"; Align-GVGD: "Not Available". The glutamine amino acid residue is found in multiple mammalian species, which suggests that this missense change does not adversely affect protein function. In summary, the available evidence is currently insufficient to determine the role of this variant in disease. Therefore, it has been classified as a Variant of Uncertain Significance.

NM_032737.4(LMNB2):c.347G>A (p.Arg116Gln)

Gene: LMNB2 (lamin B2; minus strand). Cytogenetic location: 19p13.3.
Variant type: single nucleotide variant.
Coding change: c.347G>A on transcript NM_032737.4 (MANE Select); coding-DNA position 347, G replaced by A.
Protein change: p.Arg116Gln; replaces arginine 116 with glutamine.
Molecular consequence: missense variant.
Genome position (GRCh38, 1-based): chr19:2,444,458, C>T on the plus strand (G>A on the coding strand, the complement: LMNB2 is on the minus strand). VCF-style: chr19-2444458-C-T. GRCh37 (hg19) VCF-style: chr19-2444456-C-T.
Other names: short protein forms R116Q.
Identifiers: ClinVar variation 475781 (VCV000475781.7), dbSNP rs370820384, ClinGen allele CA9067931.
Genomic context (GRCh38, chr19:2,444,458, plus strand): 5'-ACTCACCTCTTGTTGACCTCGTCCAACTCTGCCCTCAGCTTCCCAATCTCTATCTGCAGC[C>T]GGGCACGCTCTCGAGCCGTCTCATCCAGGACTCTCCGGGCATCGGCCAGCTCCGACTCGT-3'
Protein context (NP_116126.3, residues 106-126): VLDETARERA[Arg116Gln]LQIEIGKLRA